The following is an entry in ClinVar:

NM_014244.5(ADAMTS2):c.161C>T (p.Ala54Val)

Gene: ADAMTS2 (ADAM metallopeptidase with thrombospondin type 1 motif 2; minus strand). Cytogenetic location: 5q35.3.
Variant type: single nucleotide variant.
Coding change: c.161C>T on transcript NM_014244.5 (MANE Select); coding-DNA position 161, C replaced by T.
Protein change: p.Ala54Val; replaces alanine 54 with valine.
Molecular consequence: missense variant.
Genome position (GRCh38, 1-based): chr5:179,344,140, G>A on the plus strand (C>T on the coding strand, the complement: ADAMTS2 is on the minus strand). VCF-style: chr5-179344140-G-A. GRCh37 (hg19) VCF-style: chr5-178771141-G-A.
Other names: p.Ala54Val; c.161C>T, p.Ala54Val (NM_021599.4); short protein forms A54V.
Identifiers: ClinVar variation 772092 (VCV000772092.15), dbSNP rs368221089, ClinGen allele CA3596375.

ClinVar aggregate classification (germline): Conflicting classifications of pathogenicity. Review status: criteria provided, conflicting classifications (1 of 4 stars). 4 submissions from 4 submitters: Uncertain significance (2); Likely benign (1). 1 of the submissions does not count toward it. Last evaluated 2026-01-22.

Conditions:
Ehlers-Danlos syndrome, dermatosparaxis type. Also called: EDS VIIC; Ehlers-Danlos syndrome, type VII, autosomal recessive; Dermatosparaxis. Identifiers: Orphanet 1901, MedGen C2700425, MONDO:0009161, OMIM 225410.

Allele frequency attached by ClinVar (database versions not stated): TOPMed 0.00008; gnomAD exomes 0.00014; ExAC 0.00022.
gnomAD v4.1: 50 of 1,601,362 alleles (0.0031%); highest among the groups gnomAD compares: East Asian, 0.056%; no homozygotes.

Submissions (4):

Labcorp Genetics (formerly Invitae), Labcorp
Classification: Likely benign for Ehlers-Danlos syndrome, dermatosparaxis type. Last evaluated: 2026-01-22. Review status: criteria provided, single submitter. Criteria: Invitae Variant Classification Sherloc (09022015). Collection method: clinical testing. Allele origin: germline.

Mayo Clinic Laboratories, Mayo Clinic
Classification: Uncertain significance. Last evaluated: 2025-11-12. Review status: criteria provided, single submitter. Criteria: ACMG Guidelines, 2015. Collection method: clinical testing. Allele origin: germline. Observed: 1 variant allele.
Comment: BP4, PM2_supporting

GeneDx
Classification: Uncertain significance. Last evaluated: 2019-04-01. Review status: criteria provided, single submitter. Criteria: GeneDx Variant Classification Process June 2021. Collection method: clinical testing. Allele origin: germline. Affected: yes.
Comment: Has not been previously published as pathogenic or benign to our knowledge

Natera, Inc.
Classification: Likely benign for Ehlers-Danlos syndrome type VIIC. Last evaluated: 2020-08-31. Review status: no assertion criteria provided. Collection method: clinical testing. Allele origin: germline. Not counted in ClinVar's aggregate classification.